The following is an entry in ClinVar:

ClinVar aggregate classification (germline): Uncertain significance. Review status: criteria provided, multiple submitters, no conflicts (2 of 4 stars). 3 submissions from 3 submitters: Uncertain significance (3). Last evaluated 2025-10-09.

Conditions:
Charcot-Marie-Tooth disease axonal type 2C (HMSN2C). Also called: CHARCOT-MARIE-TOOTH DISEASE, AXONAL, AUTOSOMAL DOMINANT, TYPE 2C; Charcot-Marie-Tooth Neuropathy Type 2C; Charcot-Marie-Tooth Disease Type 2, TRPV4-Related (CMT2C). Identifiers: Orphanet 99937, MedGen C1853710, MONDO:0011633, OMIM 606071.

Allele frequency attached by ClinVar (database versions not stated): gnomAD exomes 0.00001; TOPMed 0.00001.
gnomAD v4.1: 17 of 1,612,994 alleles (0.0011%); highest among the groups gnomAD compares: Admixed American, 0.0017%; no homozygotes.

Submissions (3):

Women's Health and Genetics/Laboratory Corporation of America, LabCorp
Classification: Uncertain significance. Last evaluated: 2025-10-09. Review status: criteria provided, single submitter. Criteria: LabCorp Variant Classification Summary - May 2015. Collection method: clinical testing. Allele origin: germline.
Comment: Variant summary: TRPV4 c.1115C>T (p.Ser372Leu) results in a non-conservative amino acid change in the encoded protein sequence. Algorithms developed to predict the effect of missense changes on protein structure and function are either unavailable or do not agree on the potential impact of this missense change. The variant allele was found at a frequency of 8e-06 in 249176 control chromosomes. The available data on variant occurrences in the general population are insufficient to allow any conclusion about variant significance. To our knowledge, no occurrence of c.1115C>T in individuals affected with TRPV4-related conditions and no experimental evidence demonstrating its impact on protein function have been reported. ClinVar contains an entry for this variant (Variation ID: 536857). Based on the evidence outlined above, the variant was classified as uncertain significance.

Labcorp Genetics (formerly Invitae), Labcorp
Classification: Uncertain significance for Charcot-Marie-Tooth disease axonal type 2C. Last evaluated: 2025-01-20. Review status: criteria provided, single submitter. Criteria: Invitae Variant Classification Sherloc (09022015). Collection method: clinical testing. Allele origin: germline.
Comment: This sequence change replaces serine, which is neutral and polar, with leucine, which is neutral and non-polar, at codon 372 of the TRPV4 protein (p.Ser372Leu). This variant is present in population databases (no rsID available, gnomAD 0.005%). This variant has not been reported in the literature in individuals affected with TRPV4-related conditions. ClinVar contains an entry for this variant (Variation ID: 536857). Invitae Evidence Modeling of protein sequence and biophysical properties (such as structural, functional, and spatial information, amino acid conservation, physicochemical variation, residue mobility, and thermodynamic stability) has been performed for this missense variant. However, the output from this modeling did not meet the statistical confidence thresholds required to predict the impact of this variant on TRPV4 protein function. In summary, the available evidence is currently insufficient to determine the role of this variant in disease. Therefore, it has been classified as a Variant of Uncertain Significance.

Breakthrough Genomics
Classification: Uncertain significance. Review status: criteria provided, single submitter. Criteria: ACMG Guidelines, 2015. Collection method: not provided. Allele origin: germline. Inheritance: Autosomal dominant inheritance. Affected: yes.

NM_021625.5(TRPV4):c.1115C>T (p.Ser372Leu)

Gene: TRPV4 (transient receptor potential cation channel subfamily V member 4; minus strand). Cytogenetic location: 12q24.11.
Variant type: single nucleotide variant.
Coding change: c.1115C>T on transcript NM_021625.5 (MANE Select); coding-DNA position 1115, C replaced by T.
Protein change: p.Ser372Leu; replaces serine 372 with leucine.
Molecular consequence: missense variant.
Genome position (GRCh38, 1-based): chr12:109,798,651, G>A on the plus strand (C>T on the coding strand, the complement: TRPV4 is on the minus strand). VCF-style: chr12-109798651-G-A. GRCh37 (hg19) VCF-style: chr12-110236456-G-A.
Other names: c.974C>T, p.Ser325Leu (NM_001177428.2, NM_001177433.2); c.1013C>T, p.Ser338Leu (NM_001177431.2); c.1115C>T, p.Ser372Leu (NM_147204.3); short protein forms S372L, S325L, S338L.
Identifiers: ClinVar variation 536857 (VCV000536857.11), dbSNP rs1479394096, ClinGen allele CA386654132.